The following is an entry in ClinVar:

ClinVar aggregate classification (germline): Pathogenic (1 of 4 stars; one submission).

Conditions:
Inborn genetic diseases. Identifiers: MedGen C0950123, MeSH D030342.

Allele frequency attached by ClinVar (database versions not stated): TOPMed 0.00001.
gnomAD v4.1: 4 of 1,614,104 alleles (0.00025%); highest among the groups gnomAD compares: Non-Finnish European, 0.00034%; no homozygotes.

Submission:

Ambry Genetics
Classification: Pathogenic for Inborn genetic diseases. Last evaluated: 2014-07-28. Review status: criteria provided, single submitter. Criteria: Ambry General Variant Classification Scheme_2022. Collection method: clinical testing. Allele origin: germline. Observed: 1 variant allele.
Comment: The c.573C>G (p.H191Q) alteration is located in exon 8 (coding exon 4) of the MTIF2 gene. This alteration results from a C to G substitution at nucleotide position 573, causing the histidine (H) at amino acid position 191 to be replaced by a glutamine (Q). Based on data from the NHLBI Exome Sequencing Project (ESP), the c.573C>G alteration was not observed among 6,503 individuals tested (0.0%). Allele frequency data for this nucleotide position are not currently available from the 1000 Genomes Project and the alteration is not currently listed in the Database of Single Nucleotide Polymorphisms (dbSNP). Though some variants may appear to be rare due to database-specific ethnic underrepresentation, rare missense alleles commonly exhibit a deleterious effect on protein function (Kryukov, 2007; Tennessen, 2012). REFERENCES: Kryukov GV, et al. (2007) Am J Hum Genet 80:727-739. Tennessen JA, et al. (2012) Science 337(64):64-69. This amino acid position is completely conserved in available vertebrate species. The MTIF2 c.573C>G p.H191Q variant affects a highly conserved amino acid residue in the P-loop region of the G-domain (Simonetti 2013) that is critical for GTP hydrolysis and the subsequent dissociation of mtIF2 from the initiation complex for elongation to proceed. This alteration is predicted to be probably damaging and deleterious by PolyPhen and SIFT in silico analyses, respectively. Based on the available evidence, this alteration is classified as pathogenic.

NM_002453.3(MTIF2):c.573C>G (p.His191Gln)

Gene: MTIF2 (mitochondrial translational initiation factor 2; minus strand). Cytogenetic location: 2p16.1.
Variant type: single nucleotide variant.
Coding change: c.573C>G on transcript NM_002453.3 (MANE Select); coding-DNA position 573, C replaced by G.
Protein change: p.His191Gln; replaces histidine 191 with glutamine.
Molecular consequence: missense variant. On other transcripts: intron variant (1).
Genome position (GRCh38, 1-based): chr2:55,254,132, G>C on the plus strand (C>G on the coding strand, the complement: MTIF2 is on the minus strand). VCF-style: chr2-55254132-G-C. GRCh37 (hg19) VCF-style: chr2-55481268-G-C.
Other names: c.573C>G, p.His191Gln (NM_001005369.1, NM_001321001.1, NM_001321002.1 and 2 more transcripts); c.-66+522C>G (NM_001321005.1); short protein forms H191Q.
Identifiers: ClinVar variation 225013 (VCV000225013.4), dbSNP rs745980045, ClinGen allele CA358210.